The following is an entry in ClinVar:

ClinVar aggregate classification (germline): Benign (0 of 4 stars; one submission).

Conditions:
SEMA4D-related disorder. Also called: SEMA4D-related condition.

Allele frequency attached by ClinVar (database versions not stated): gnomAD exomes 0.00034; ExAC 0.00103; 1000 Genomes Project 30x 0.00312; 1000 Genomes Project 0.00319; gnomAD 0.00357; TOPMed 0.00451; ESP Exome Variant Server 0.00477.
gnomAD v4.1: 1,067 of 1,611,262 alleles (0.066%); highest among the groups gnomAD compares: African/African-American, 1.3%; 8 homozygotes.

Submission:

PreventionGenetics, part of Exact Sciences
Classification: Benign for SEMA4D-related condition. Last evaluated: 2019-08-20. Review status: no assertion criteria provided. Collection method: clinical testing. Allele origin: germline.
Comment: This variant is classified as benign based on ACMG/AMP sequence variant interpretation guidelines (Richards et al. 2015 PMID: 25741868, with internal and published modifications).

NM_001371194.2(SEMA4D):c.1594C>G (p.Leu532Val)

Gene: SEMA4D (semaphorin 4D; minus strand). Cytogenetic location: 9q22.2.
Variant type: single nucleotide variant.
Coding change: c.1594C>G on transcript NM_001371194.2 (MANE Select); coding-DNA position 1594, C replaced by G.
Protein change: p.Leu532Val; replaces leucine 532 with valine.
Molecular consequence: missense variant.
Genome position (GRCh38, 1-based): chr9:89,381,199, G>C on the plus strand (C>G on the coding strand, the complement: SEMA4D is on the minus strand). VCF-style: chr9-89381199-G-C. GRCh37 (hg19) VCF-style: chr9-91996114-G-C.
Other names: c.1594C>G, p.Leu532Val (NM_001142287.2, NM_001371195.1, NM_001371196.1 and 7 more transcripts); short protein forms L532V.
Identifiers: ClinVar variation 3053084 (VCV003053084.2), dbSNP rs62638723, ClinGen allele CA5118312.